The following is an entry in ClinVar:

NM_014000.3(VCL):c.1361G>T (p.Gly454Val)

Gene: VCL (vinculin; plus strand). Cytogenetic location: 10q22.2.
Variant type: single nucleotide variant.
Coding change: c.1361G>T on transcript NM_014000.3 (MANE Select); coding-DNA position 1361, G replaced by T.
Protein change: p.Gly454Val; replaces glycine 454 with valine.
Molecular consequence: missense variant.
Genome position (GRCh38, 1-based): chr10:74,094,279, G>T. VCF-style: chr10-74094279-G-T. GRCh37 (hg19) VCF-style: chr10-75854037-G-T.
Other names: c.1361G>T, p.Gly454Val (NM_003373.4); short protein forms G454V.
Identifiers: ClinVar variation 1717910 (VCV001717910.5), dbSNP rs1331767225, ClinGen allele CA377273656.

ClinVar aggregate classification (germline): Uncertain significance (1 of 4 stars; one submission).

Conditions:
Dilated cardiomyopathy 1W (CMD1W). Identifiers: Orphanet 154, MedGen C1969639, MONDO:0012667, OMIM 611407.

Submission:

Labcorp Genetics (formerly Invitae), Labcorp
Classification: Uncertain significance for Dilated cardiomyopathy 1W. Last evaluated: 2022-08-24. Review status: criteria provided, single submitter. Criteria: Invitae Variant Classification Sherloc (09022015). Collection method: clinical testing. Allele origin: germline.
Comment: In summary, the available evidence is currently insufficient to determine the role of this variant in disease. Therefore, it has been classified as a Variant of Uncertain Significance. Algorithms developed to predict the effect of missense changes on protein structure and function are either unavailable or do not agree on the potential impact of this missense change (SIFT: "Not Available"; PolyPhen-2: "Probably Damaging"; Align-GVGD: "Not Available"). This variant has not been reported in the literature in individuals affected with VCL-related conditions. This variant is not present in population databases (gnomAD no frequency). This sequence change replaces glycine, which is neutral and non-polar, with valine, which is neutral and non-polar, at codon 454 of the VCL protein (p.Gly454Val).